The following is an entry in ClinVar:

NM_002528.7(NTHL1):c.115+10C>A

Gene: NTHL1 (nth like DNA glycosylase 1; minus strand). Cytogenetic location: 16p13.3.
Variant type: single nucleotide variant.
Coding change: c.115+10C>A on transcript NM_002528.7 (MANE Select); 10 bases into the intron after coding-DNA position 115, C replaced by A.
Molecular consequence: intron variant.
Genome position (GRCh38, 1-based): chr16:2,047,699, G>T on the plus strand (C>A on the coding strand, the complement: NTHL1 is on the minus strand). VCF-style: chr16-2047699-G-T. GRCh37 (hg19) VCF-style: chr16-2097700-G-T.
Other names: c.-64+10C>A (NM_001318194.2); c.115+10C>A (NM_001318193.2).
Identifiers: ClinVar variation 757952 (VCV000757952.19), dbSNP rs756945300, ClinGen allele CA027497.

ClinVar aggregate classification (germline): Likely benign. Review status: criteria provided, multiple submitters, no conflicts (2 of 4 stars). 3 submissions from 3 submitters: Likely benign (2). 1 of the submissions does not count toward it. Last evaluated 2026-01-26.

Conditions:
NTHL1-related disorder. Also called: NTHL1-related conditions; NTHL1-related condition.

Allele frequency attached by ClinVar (database versions not stated): gnomAD exomes 0.00006; gnomAD 0.00008 and 0.00009; TOPMed 0.00008; ExAC 0.00016.

Submissions (3):

Labcorp Genetics (formerly Invitae), Labcorp
Classification: Likely benign. Last evaluated: 2026-01-26. Review status: criteria provided, single submitter. Criteria: Invitae Variant Classification Sherloc (09022015). Collection method: clinical testing. Allele origin: germline.

Center for Genomic Medicine, Rigshospitalet, Copenhagen University Hospital
Classification: Likely benign. Last evaluated: 2025-03-04. Review status: criteria provided, single submitter. Criteria: ACMG Guidelines, 2015. Collection method: clinical testing. Allele origin: germline.

PreventionGenetics, part of Exact Sciences
Classification: Likely benign for NTHL1-related condition. Last evaluated: 2023-12-28. Review status: no assertion criteria provided. Collection method: clinical testing. Allele origin: germline. Not counted in ClinVar's aggregate classification.
Comment: This variant is classified as likely benign based on ACMG/AMP sequence variant interpretation guidelines (Richards et al. 2015 PMID: 25741868, with internal and published modifications).